The following is an entry in ClinVar:

ClinVar aggregate classification (germline): Uncertain significance (1 of 4 stars; one submission).

gnomAD v4.1: 7 of 1,613,872 alleles (0.00043%); highest among the groups gnomAD compares: Non-Finnish European, 0.00059%; no homozygotes.

Submission:

Labcorp Genetics (formerly Invitae), Labcorp
Classification: Uncertain significance. Last evaluated: 2021-06-30. Review status: criteria provided, single submitter. Criteria: Invitae Variant Classification Sherloc (09022015). Collection method: clinical testing. Allele origin: germline.
Comment: In summary, the available evidence is currently insufficient to determine the role of this variant in disease. Therefore, it has been classified as a Variant of Uncertain Significance. Algorithms developed to predict the effect of sequence changes on RNA splicing suggest that this variant may create or strengthen a splice site. Advanced modeling of protein sequence and biophysical properties (such as structural, functional, and spatial information, amino acid conservation, physicochemical variation, residue mobility, and thermodynamic stability) performed at Invitae indicates that this missense variant is not expected to disrupt WFS1 protein function. This variant has not been reported in the literature in individuals affected with WFS1-related conditions. This variant is not present in population databases (ExAC no frequency). This sequence change replaces phenylalanine with leucine at codon 414 of the WFS1 protein (p.Phe414Leu). The phenylalanine residue is moderately conserved and there is a small physicochemical difference between phenylalanine and leucine.

NM_006005.3(WFS1):c.1242C>A (p.Phe414Leu)

Gene: WFS1 (wolframin ER transmembrane glycoprotein; plus strand). Cytogenetic location: 4p16.1.
Variant type: single nucleotide variant.
Coding change: c.1242C>A on transcript NM_006005.3 (MANE Select); coding-DNA position 1242, C replaced by A.
Protein change: p.Phe414Leu; replaces phenylalanine 414 with leucine.
Molecular consequence: missense variant.
Genome position (GRCh38, 1-based): chr4:6,301,037, C>A. VCF-style: chr4-6301037-C-A. GRCh37 (hg19) VCF-style: chr4-6302764-C-A.
Other names: c.1242C>A, p.Phe414Leu (NM_001145853.1); short protein forms F414L.
Identifiers: ClinVar variation 1403366 (VCV001403366.8), dbSNP rs376646736, ClinGen allele CA356174525.
Genomic context (GRCh38, chr4:6,301,037, plus strand): 5'-GGTCAACTTCGGCTGGAACCACCTGGAGCCCTATGCCCATTTCCTGCTCTCTGTCTTCTT[C>A]GTCATCTTCTCCTTCCCCATCGCCAGCAAGGACTGCATCCCCTGCTCGGAGCTGGCTGTC-3'
Protein context (NP_005996.2, residues 404-424): PYAHFLLSVF[Phe414Leu]VIFSFPIASK